The following is an entry in ClinVar:

NM_001323289.2(CDKL5):c.1144A>G (p.Lys382Glu)

Gene: CDKL5 (cyclin dependent kinase like 5; plus strand). Cytogenetic location: Xp22.13.
Variant type: single nucleotide variant.
Coding change: c.1144A>G on transcript NM_001323289.2 (MANE Select); coding-DNA position 1144, A replaced by G.
Protein change: p.Lys382Glu; replaces lysine 382 with glutamic acid.
Molecular consequence: missense variant.
Genome position (GRCh38, 1-based): chrX:18,604,068, A>G. VCF-style: chrX-18604068-A-G. GRCh37 (hg19) VCF-style: chrX-18622188-A-G.
Other names: c.1144A>G, p.Lys382Glu (NM_001037343.2, NM_003159.3); short protein forms K382E.
Identifiers: ClinVar variation 3372456 (VCV003372456.1).

ClinVar aggregate classification (germline): Uncertain significance (1 of 4 stars; one submission).

Submission:

GeneDx
Classification: Uncertain significance. Last evaluated: 2024-04-11. Review status: criteria provided, single submitter. Criteria: GeneDx Variant Classification Process June 2021. Collection method: clinical testing. Allele origin: germline. Affected: yes.
Comment: Not observed at significant frequency in large population cohorts (gnomAD); In silico analysis indicates that this missense variant does not alter protein structure/function; Has not been previously published as pathogenic or benign to our knowledge